The following is an entry in ClinVar:

NM_000535.7(PMS2):c.2206G>T (p.Glu736Ter)

Gene: PMS2 (PMS1 homolog 2, mismatch repair system component; minus strand). Cytogenetic location: 7p22.1.
Variant type: single nucleotide variant.
Coding change: c.2206G>T on transcript NM_000535.7 (MANE Select); coding-DNA position 2206, G replaced by T.
Protein change: p.Glu736Ter; replaces glutamic acid 736 with a stop codon.
Molecular consequence: nonsense. On other transcripts: non-coding transcript variant (1).
Genome position (GRCh38, 1-based): chr7:5,978,665, C>A on the plus strand (G>T on the coding strand, the complement: PMS2 is on the minus strand). VCF-style: chr7-5978665-C-A. GRCh37 (hg19) VCF-style: chr7-6018296-C-A.
Other names: c.1801G>T, p.Glu601Ter (NM_001018040.1, NM_001322003.2, NM_001322004.2 and 15 more transcripts); c.2050G>T, p.Glu684Ter (NM_001322006.2, NM_001406870.1); c.1888G>T, p.Glu630Ter (NM_001322007.2, NM_001322008.2, NM_001406876.1 and 1 more transcripts); c.1645G>T, p.Glu549Ter (NM_001322010.2, NM_001406906.1, NM_001406907.1); c.1273G>T, p.Glu425Ter (NM_001322011.2, NM_001322012.2); c.1633G>T, p.Glu545Ter (NM_001322013.2, NM_001406908.1, NM_001406909.1); c.2206G>T, p.Glu736Ter (NM_001322014.2); c.1897G>T, p.Glu633Ter (NM_001322015.2, NM_001406875.1, NM_001406877.1 and 5 more transcripts); and 14 more; short protein forms E425*, E479*, E574*, E614*, E624*, E628*, E680*, E545*.
Identifiers: ClinVar variation 1787696 (VCV001787696.1), dbSNP rs2128683356, ClinGen allele CA366736816.

ClinVar aggregate classification (germline): Pathogenic (1 of 4 stars; one submission).

Conditions:
Hereditary cancer-predisposing syndrome. Also called: Neoplastic Syndromes, Hereditary; Tumor predisposition; Hereditary Cancer Syndrome; Hereditary neoplastic syndrome. Identifiers: Orphanet 140162, MedGen C0027672, MeSH D009386, MONDO:0015356.

Submission:

Ambry Genetics
Classification: Pathogenic for Hereditary cancer-predisposing syndrome. Last evaluated: 2022-03-15. Review status: criteria provided, single submitter. Criteria: Ambry General Variant Classification Scheme_2022. Collection method: clinical testing. Allele origin: germline. Observed: 1 variant allele.
Comment: The p.E736* pathogenic mutation (also known as c.2206G>T), located in coding exon 13 of the PMS2 gene, results from a G to T substitution at nucleotide position 2206. This changes the amino acid from a glutamic acid to a stop codon within coding exon 13. This alteration is expected to result in loss of function by premature protein truncation or nonsense-mediated mRNA decay. As such, this alteration is interpreted as a disease-causing mutation.

Literature cited by the submitters: PubMed 30877237.